The following is an entry in ClinVar:

NM_181789.4(GLDN):c.440C>T (p.Pro147Leu)

Gene: GLDN (gliomedin; plus strand). Cytogenetic location: 15q21.2.
Variant type: single nucleotide variant.
Coding change: c.440C>T on transcript NM_181789.4 (MANE Select); coding-DNA position 440, C replaced by T.
Protein change: p.Pro147Leu; replaces proline 147 with leucine.
Molecular consequence: missense variant.
Genome position (GRCh38, 1-based): chr15:51,383,791, C>T. VCF-style: chr15-51383791-C-T. GRCh37 (hg19) VCF-style: chr15-51675988-C-T.
Other names: c.68C>T, p.Pro23Leu (NM_001330297.2); short protein forms P147L, P23L.
Identifiers: ClinVar variation 3037490 (VCV003037490.12), dbSNP rs140063339, ClinGen allele CA7560392.

ClinVar aggregate classification (germline): Likely benign. Review status: criteria provided, single submitter (1 of 4 stars). 2 submissions from 2 submitters: Likely benign (1). 1 of the submissions does not count toward it. Last evaluated 2025-06-01.

Conditions:
GLDN-related disorder. Also called: GLDN-related condition.

Allele frequency attached by ClinVar (database versions not stated): 1000 Genomes Project 30x 0.00094; 1000 Genomes Project 0.00100; gnomAD 0.00292; TOPMed 0.00292; ESP Exome Variant Server 0.00316; ExAC 0.00449; gnomAD exomes 0.00452.
gnomAD v4.1: 7,040 of 1,608,016 alleles (0.44%); highest among the groups gnomAD compares: Non-Finnish European, 0.51%; 31 homozygotes.

Submissions (2):

CeGaT Center for Human Genetics Tuebingen
Classification: Likely benign. Last evaluated: 2025-06-01. Review status: criteria provided, single submitter. Criteria: CeGaT Center For Human Genetics Tuebingen Variant Classification Criteria Version 2. Collection method: clinical testing. Allele origin: germline. Affected: yes. Observed: 1 variant allele.
Comment: GLDN: BS2

PreventionGenetics, part of Exact Sciences
Classification: Likely benign for GLDN-related condition. Last evaluated: 2019-05-02. Review status: no assertion criteria provided. Collection method: clinical testing. Allele origin: germline. Not counted in ClinVar's aggregate classification.
Comment: This variant is classified as likely benign based on ACMG/AMP sequence variant interpretation guidelines (Richards et al. 2015 PMID: 25741868, with internal and published modifications).